The following is an entry in ClinVar:

ClinVar aggregate classification (germline): Pathogenic (1 of 4 stars; one submission).

Conditions:
Osteogenesis imperfecta type I (OI1). Also called: Lobstein disease; Classic Non-deforming Osteogenesis Imperfecta with Blue Sclerae; Osteogenesis imperfecta type 1; Lobstein's Disease; OI, TYPE I; OSTEOGENESIS IMPERFECTA TARDA. Identifiers: Orphanet 216796, Orphanet 666, MedGen C0023931, MONDO:0008146, OMIM 166200. Disease mechanism: loss of function.

Submission:

Institute of Human Genetics, University of Leipzig Medical Center
Classification: Pathogenic for Osteogenesis imperfecta type I. Last evaluated: 2026-05-04. Review status: criteria provided, single submitter. Criteria: ACMG Guidelines, 2015. Collection method: clinical testing. Allele origin: unknown. Inheritance: Autosomal dominant inheritance. Affected: yes.
Comment: Criteria applied: PVS1,PM2

NM_000088.4(COL1A1):c.3277del (p.Arg1093fs)

Gene: COL1A1 (collagen type I alpha 1 chain; minus strand). Cytogenetic location: 17q21.33.
Variant type: Deletion.
Coding change: c.3277del on transcript NM_000088.4 (MANE Select); coding-DNA position 3277, one base deleted (C; older notation c.3277delC).
Protein change: p.Arg1093fs; shifts the reading frame from arginine 1093.
Molecular consequence: frameshift variant.
Genome position (GRCh38, 1-based): chr17:50,187,968, G deleted on the plus strand (C on the coding strand, the reverse complement: COL1A1 is on the minus strand); the first of 5 consecutive G bases (chr17:50,187,968-50,187,972); deleting any one gives the same sequence. VCF-style (leftmost placement, unchanged base first): chr17-50187967-CG-C. GRCh37 (hg19) VCF-style: chr17-48265328-CG-C.
Other names: short protein forms R1093fs.
Identifiers: ClinVar variation 4857446 (VCV004857446.1).